The following is an entry in ClinVar:

NM_001009944.3(PKD1):c.6284A>G (p.Asp2095Gly)

Gene: PKD1 (polycystin 1, transient receptor potential channel interacting; minus strand). Cytogenetic location: 16p13.3.
Variant type: single nucleotide variant.
Coding change: c.6284A>G on transcript NM_001009944.3 (MANE Select); coding-DNA position 6284, A replaced by G.
Protein change: p.Asp2095Gly; replaces aspartic acid 2095 with glycine.
Molecular consequence: missense variant.
Genome position (GRCh38, 1-based): chr16:2,108,883, T>C on the plus strand (A>G on the coding strand, the complement: PKD1 is on the minus strand). VCF-style: chr16-2108883-T-C. GRCh37 (hg19) VCF-style: chr16-2158884-T-C.
Other names: c.6284A>G, p.Asp2095Gly (NM_000296.4); short protein forms D2095G.
Identifiers: ClinVar variation 4756069 (VCV004756069.1).

ClinVar aggregate classification (germline): Uncertain significance (1 of 4 stars; one submission).

gnomAD v4.1: 62 of 1,579,392 alleles (0.0039%); highest among the groups gnomAD compares: South Asian, 0.062%; 1 homozygote.

Submission:

GeneDx
Classification: Uncertain significance. Last evaluated: 2025-08-07. Review status: criteria provided, single submitter. Criteria: GeneDx Variant Classification Process June 2021. Collection method: clinical testing. Allele origin: germline. Affected: yes.
Comment: Reported with a second PKD1 variant (phase unknown) in a patient with unilateral renal cysts in published literature; this patient was also found to harbor a PKD2 variant (Devi C et al. (2024) medRxiv.); In silico analysis supports that this missense variant has a deleterious effect on protein structure/function; This variant is associated with the following publications: (PMID: 39188533, Devi2024[preprint])